The following is an entry in ClinVar:

ClinVar aggregate classification (germline): Benign/Likely benign. Review status: criteria provided, multiple submitters, no conflicts (2 of 4 stars). 2 submissions from 2 submitters: Benign (1); Likely benign (1). Last evaluated 2025-03-31.

Conditions:
Kabuki syndrome. Also called: Kabuki make-up syndrome; NIIKAWA-KUROKI SYNDROME. Identifiers: Orphanet 2322, MedGen C0796004, MONDO:0016512.
KMT2D-related disorder. Also called: KMT2D-Related Disorders.

gnomAD v4.1: 9 of 1,590,814 alleles (0.00057%); highest among the groups gnomAD compares: East Asian, 0.0022%; no homozygotes.

Submissions (2):

PreventionGenetics, part of Exact Sciences
Classification: Likely benign for KMT2D-related condition. Last evaluated: 2025-03-31. Review status: criteria provided, single submitter. Criteria: ACMG Guidelines, 2015. Collection method: clinical testing. Allele origin: germline.
Comment: This variant is classified as likely benign based on ACMG/AMP sequence variant interpretation guidelines (Richards et al. 2015 PMID: 25741868, with internal and published modifications).

Labcorp Genetics (formerly Invitae), Labcorp
Classification: Benign for Kabuki syndrome. Last evaluated: 2024-11-13. Review status: criteria provided, single submitter. Criteria: Invitae Variant Classification Sherloc (09022015). Collection method: clinical testing. Allele origin: germline.

NM_003482.4(KMT2D):c.7464G>A (p.Ser2488=)

Gene: KMT2D (lysine methyltransferase 2D; minus strand). Cytogenetic location: 12q13.12.
Variant type: single nucleotide variant.
Coding change: c.7464G>A on transcript NM_003482.4 (MANE Select); coding-DNA position 7464, G replaced by A.
Protein change: p.Ser2488=; no amino-acid change (serine 2488 retained).
Molecular consequence: synonymous variant.
Genome position (GRCh38, 1-based): chr12:49,040,306, C>T on the plus strand (G>A on the coding strand, the complement: KMT2D is on the minus strand). VCF-style: chr12-49040306-C-T. GRCh37 (hg19) VCF-style: chr12-49434089-C-T.
Identifiers: ClinVar variation 3713828 (VCV003713828.3).